The following is an entry in ClinVar:

NM_175875.5(SIX5):c.1820C>A (p.Ala607Asp)

Gene: SIX5 (SIX homeobox 5; minus strand). Cytogenetic location: 19q13.32.
Variant type: single nucleotide variant.
Coding change: c.1820C>A on transcript NM_175875.5 (MANE Select); coding-DNA position 1820, C replaced by A.
Protein change: p.Ala607Asp; replaces alanine 607 with aspartic acid.
Molecular consequence: missense variant.
Genome position (GRCh38, 1-based): chr19:45,765,901, G>T on the plus strand (C>A on the coding strand, the complement: SIX5 is on the minus strand). VCF-style: chr19-45765901-G-T. GRCh37 (hg19) VCF-style: chr19-46269159-G-T.
Other names: short protein forms A607D.
Identifiers: ClinVar variation 2888993 (VCV002888993.3), dbSNP rs775769879, ClinGen allele CA9520499.

ClinVar aggregate classification (germline): Uncertain significance (1 of 4 stars; one submission).

Allele frequency attached by ClinVar (database versions not stated): ExAC 0.00001; gnomAD 0.00001; TOPMed 0.00001.
gnomAD v4.1: 6 of 1,590,964 alleles (0.00038%); highest among the groups gnomAD compares: South Asian, 0.0011%; no homozygotes.

Submission:

Labcorp Genetics (formerly Invitae), Labcorp
Classification: Uncertain significance. Last evaluated: 2023-12-03. Review status: criteria provided, single submitter. Criteria: Invitae Variant Classification Sherloc (09022015). Collection method: clinical testing. Allele origin: germline.
Comment: This sequence change replaces alanine, which is neutral and non-polar, with aspartic acid, which is acidic and polar, at codon 607 of the SIX5 protein (p.Ala607Asp). This variant is present in population databases (rs775769879, gnomAD 0.004%). This variant has not been reported in the literature in individuals affected with SIX5-related conditions. Advanced modeling of protein sequence and biophysical properties (such as structural, functional, and spatial information, amino acid conservation, physicochemical variation, residue mobility, and thermodynamic stability) performed at Invitae indicates that this missense variant is not expected to disrupt SIX5 protein function with a negative predictive value of 80%. In summary, the available evidence is currently insufficient to determine the role of this variant in disease. Therefore, it has been classified as a Variant of Uncertain Significance.